The following is an entry in ClinVar:

NM_014991.6(WDFY3):c.2647C>T (p.Gln883Ter)

Genes: WDFY3 (WD repeat and FYVE domain containing 3; minus strand), WDFY3-AS1 (WDFY3 antisense RNA 1; plus strand). Cytogenetic location: 4q21.23.
Variant type: single nucleotide variant.
Coding change: c.2647C>T on transcript NM_014991.6 (MANE Select); coding-DNA position 2647, C replaced by T.
Protein change: p.Gln883Ter; replaces glutamine 883 with a stop codon.
Molecular consequence: nonsense.
Genome position (GRCh38, 1-based): chr4:84,801,825, G>A on the plus strand (C>T on the coding strand, the complement: WDFY3 is on the minus strand). VCF-style: chr4-84801825-G-A. GRCh37 (hg19) VCF-style: chr4-85722978-G-A.
Other names: short protein forms Q883*.
Identifiers: ClinVar variation 3376812 (VCV003376812.1).
Genomic context (GRCh38, chr4:84,801,825, plus strand): 5'-GTGCATGAAGACCAGCTTCACACATGACTTGCTGGTTCCTTTCTGTGTGCACCAGGGATT[G>A]TAAAATATTTGCCACGGCAAGTTGAAGATCCAAAGCATGCTAAAATCAACAAAGAAATCC-3'

ClinVar aggregate classification (germline): Likely pathogenic (1 of 4 stars; one submission).

Conditions:
Neurodevelopmental disorder. Identifiers: MedGen C1535926, MeSH D065886, MONDO:0700092.

Submission:

Victorian Clinical Genetics Services, Murdoch Childrens Research Institute
Classification: Likely pathogenic for Neurodevelopmental disorder. Last evaluated: 2023-07-16. Review status: criteria provided, single submitter. Criteria: ACMG Guidelines, 2015. Collection method: clinical testing. Allele origin: germline. Inheritance: Autosomal dominant inheritance. Affected: yes.
Comment: Based on the classification scheme VCGS_Germline_v1.3.4, this variant is classified as Likely Pathogenic. Following criteria are met: 0102 - Loss of function is a known mechanism of disease in this gene and is associated with neurodevelopmental disorder (MONDO:0700092), WDFY3-related. A macrocephaly phenotype is known to be caused by loss of function variants, while microcephaly 18, primary (MIM#617520) is likely due to gain of function and increased wnt signalling (PMID: 31327001, PMID: 27008544). (I) 0107 - This gene is associated with autosomal dominant disease. (I) 0201 - Variant is predicted to cause nonsense-mediated decay (NMD) and loss of protein (premature termination codon is located at least 54 nucleotides upstream of the final exon-exon junction). (SP) 0251 - This variant is heterozygous. (I) 0301 - Variant is absent from gnomAD (both v2 and v3). (SP) 0701 - Other NMD-predicted variants comparable to the one identified in this case have very strong previous evidence for pathogenicity. These variants have been reported as pathogenic, and observed in individuals with macrocephaly neurodevelopmental disorder, where the variant either arose de novo or was inherited from an affected parent (ClinVar, PMID: 31327001). (SP) 0807 - This variant has no previous evidence of pathogenicity. (I) 0905 - No published segregation evidence has been identified for this variant. (I) 1007 - No published functional evidence has been identified for this variant. (I) Legend: (SP) - Supporting pathogenic, (I) - Information, (SB) - Supporting benign

Literature cited by the submitters: PubMed 27008544; PubMed 31327001.